The following is an entry in ClinVar:

NM_001267550.2(TTN):c.76293T>G (p.Tyr25431Ter)

Genes: TTN (titin; minus strand), TTN-AS1 (TTN antisense RNA 1; plus strand). Cytogenetic location: 2q31.2.
Variant type: single nucleotide variant.
Coding change: c.76293T>G on transcript NM_001267550.2 (MANE Select); coding-DNA position 76293, T replaced by G.
Protein change: p.Tyr25431Ter; replaces tyrosine 25431 with a stop codon.
Molecular consequence: nonsense.
Genome position (GRCh38, 1-based): chr2:178,569,839, A>C on the plus strand (T>G on the coding strand, the complement: TTN is on the minus strand). VCF-style: chr2-178569839-A-C. GRCh37 (hg19) VCF-style: chr2-179434566-A-C.
Other names: c.71370T>G, p.Tyr23790Ter (NM_001256850.1); c.49098T>G, p.Tyr16366Ter (NM_003319.4); c.68589T>G, p.Tyr22863Ter (NM_133378.4); c.49473T>G, p.Tyr16491Ter (NM_133432.3); c.49674T>G, p.Tyr16558Ter (NM_133437.4); short protein forms Y23790*, Y16366*, Y16491*, Y16558*, Y22863*, Y25431*.
Identifiers: ClinVar variation 1744018 (VCV001744018.5), dbSNP rs763605078, ClinGen allele CA349616078.

ClinVar aggregate classification (germline): Likely pathogenic. Review status: criteria provided, multiple submitters, no conflicts (2 of 4 stars). 2 submissions from 2 submitters: Likely pathogenic (2). Last evaluated 2025-01-14.

Conditions:
Cardiovascular phenotype. Identifiers: MedGen CN230736.
Autosomal recessive limb-girdle muscular dystrophy type 2J (LGMDR10). Also called: Limb-girdle muscular dystrophy, type 2J; MUSCULAR DYSTROPHY, LIMB-GIRDLE, AUTOSOMAL RECESSIVE 10. Identifiers: Orphanet 140922, MedGen C1837342, MONDO:0012127, OMIM 608807.
Dilated cardiomyopathy 1G (CMD1G). Identifiers: Orphanet 154, MedGen C1858763, MONDO:0011400, OMIM 604145.

Allele frequency attached by ClinVar (database versions not stated): TOPMed 0.00001.

Submissions (2):

Labcorp Genetics (formerly Invitae), Labcorp
Classification: Likely pathogenic for Dilated cardiomyopathy 1G; Autosomal recessive limb-girdle muscular dystrophy type 2J. Last evaluated: 2025-01-14. Review status: criteria provided, single submitter. Criteria: Invitae Variant Classification Sherloc (09022015). Collection method: clinical testing. Allele origin: germline.
Comment: This sequence change creates a premature translational stop signal (p.Tyr25431*) in the TTN gene. While this is not anticipated to result in nonsense mediated decay, it is expected to create a truncated TTN protein. This variant is not present in population databases (gnomAD no frequency). This premature translational stop signal has been observed in individual(s) with dilated cardiomyopathy (internal data). ClinVar contains an entry for this variant (Variation ID: 1744018). This variant is located in the A band of TTN (PMID: 25589632). Truncating variants in this region are significantly overrepresented in patients affected with dilated cardiomyopathy (PMID: 25589632). Truncating variants in this region have also been reported in individuals affected with autosomal recessive centronuclear myopathy (PMID: 23975875). In summary, the currently available evidence indicates that the variant is pathogenic, but additional data are needed to prove that conclusively. Therefore, this variant has been classified as Likely Pathogenic.

Ambry Genetics
Classification: Likely pathogenic for Cardiovascular phenotype. Last evaluated: 2024-06-12. Review status: criteria provided, single submitter. Criteria: Ambry Variant Classification Scheme 2023. Collection method: clinical testing. Allele origin: germline.
Comment: The p.Y16366* variant (also known as c.49098T>G), located in coding exon 153 of the TTN gene, results from a T to G substitution at nucleotide position 49098. This changes the amino acid from a tyrosine to a stop codon within coding exon 153. This exon is located in the A-band region of the N2-B isoform of the titin protein and is constitutively expressed in TTN transcripts (percent spliced in or PSI 100%). In addition, this alteration is expected to result in loss of function by premature protein truncation or nonsense-mediated mRNA decay. While truncating variants in TTN are present in 1-3% of the general population, truncating variants in the A-band are the most common cause of dilated cardiomyopathy (DCM) (Herman DS et al. N. Engl. J. Med., 2012 Feb;366:619-28; Roberts AM et al. Sci Transl Med, 2015 Jan;7:270ra6). TTN truncating variants encoded in constitutive exons (PSI >90%) have been found to be significantly associated with DCM regardless of their position in titin (Schafer S et al. Nat. Genet., 2017 01;49:46-53). This variant is considered to be rare based on population cohorts in the Genome Aggregation Database (gnomAD). Based on the majority of available evidence to date, this variant is likely to be pathogenic.

Literature cited by the submitters: PubMed 25589632 (cited by Labcorp Genetics (formerly Invitae), Labcorp); PubMed 23975875 (cited by Labcorp Genetics (formerly Invitae), Labcorp).